The following is an entry in ClinVar:

ClinVar aggregate classification (germline): Conflicting classifications of pathogenicity. Review status: criteria provided, conflicting classifications (1 of 4 stars). 2 submissions from 2 submitters: Pathogenic (1); Uncertain significance (1). Last evaluated 2024-04-02.

Submissions (2):

GeneDx
Classification: Pathogenic. Last evaluated: 2024-04-02. Review status: criteria provided, single submitter. Criteria: GeneDx Variant Classification Process June 2021. Collection method: clinical testing. Allele origin: germline. Affected: yes.
Comment: Not observed at significant frequency in large population cohorts (gnomAD); In silico analysis supports that this missense variant has a deleterious effect on protein structure/function; Has not been previously published as pathogenic or benign to our knowledge

Labcorp Genetics (formerly Invitae), Labcorp
Classification: Uncertain significance. Last evaluated: 2022-03-03. Review status: criteria provided, single submitter. Criteria: Invitae Variant Classification Sherloc (09022015). Collection method: clinical testing. Allele origin: germline.
Comment: This sequence change replaces serine, which is neutral and polar, with tyrosine, which is neutral and polar, at codon 2181 of the NSD1 protein (p.Ser2181Tyr). This variant is not present in population databases (gnomAD no frequency). This variant has not been reported in the literature in individuals affected with NSD1-related conditions. Advanced modeling of protein sequence and biophysical properties (such as structural, functional, and spatial information, amino acid conservation, physicochemical variation, residue mobility, and thermodynamic stability) performed at Invitae indicates that this missense variant is expected to disrupt NSD1 protein function. In summary, the available evidence is currently insufficient to determine the role of this variant in disease. Therefore, it has been classified as a Variant of Uncertain Significance.

NM_022455.5(NSD1):c.6542C>A (p.Ser2181Tyr)

Gene: NSD1 (nuclear receptor binding SET domain protein 1; plus strand). Cytogenetic location: 5q35.3.
Variant type: single nucleotide variant.
Coding change: c.6542C>A on transcript NM_022455.5 (MANE Select); coding-DNA position 6542, C replaced by A.
Protein change: p.Ser2181Tyr; replaces serine 2181 with tyrosine.
Molecular consequence: missense variant.
Genome position (GRCh38, 1-based): chr5:177,293,910, C>A. VCF-style: chr5-177293910-C-A. GRCh37 (hg19) VCF-style: chr5-176720911-C-A.
Other names: c.5669C>A, p.Ser1890Tyr (NM_001365684.2, NM_001409308.1, NM_172349.5); c.6542C>A, p.Ser2181Tyr (NM_001409301.1, NM_001409302.1, NM_001409303.1); c.6122C>A, p.Ser2041Tyr (NM_001409304.1); c.5789C>A, p.Ser1930Tyr (NM_001409305.1); c.5780C>A, p.Ser1927Tyr (NM_001409306.1, NM_001409307.1); c.5420C>A, p.Ser1807Tyr (NM_001409309.1); short protein forms S1930Y, S1807Y, S1912Y, S1927Y, S1890Y, S2041Y, S2181Y.
Identifiers: ClinVar variation 2105993 (VCV002105993.5), dbSNP rs2127279367, ClinGen allele CA362323841.